The following is an entry in ClinVar:

NM_000465.4(BARD1):c.1125A>C (p.Thr375=)

Gene: BARD1 (BRCA1 associated RING domain 1; minus strand). Cytogenetic location: 2q35.
Variant type: single nucleotide variant.
Coding change: c.1125A>C on transcript NM_000465.4 (MANE Select); coding-DNA position 1125, A replaced by C.
Protein change: p.Thr375=; no amino-acid change (threonine 375 retained).
Molecular consequence: synonymous variant. On other transcripts: non-coding transcript variant (2), intron variant (3).
Genome position (GRCh38, 1-based): chr2:214,780,749, T>G on the plus strand (A>C on the coding strand, the complement: BARD1 is on the minus strand). VCF-style: chr2-214780749-T-G. GRCh37 (hg19) VCF-style: chr2-215645473-T-G.
Other names: c.1068A>C, p.Thr356= (NM_001282543.2); c.159-28194A>C (NM_001282548.2); c.215+16312A>C (NM_001282545.2); c.364+11548A>C (NM_001282549.2).
Identifiers: ClinVar variation 818386 (VCV000818386.8), dbSNP rs1553622237, ClinGen allele CA431392007.
Genomic context (GRCh38, chr2:214,780,749, plus strand): 5'-TGGTGTACCTGGTGAAAGACTAATGAATTCATCGGACATGTTACTGTTTTTCCTCCCTGA[T>G]GTACCACCAACTTTACGTTTGCATGAAGGTGGTGAAGAACATTCAGGCAATGGTATATTT-3'
Protein context (NP_000456.2, residues 365-385): PPSCKRKVGG[Thr375=]SGRKNSNMSD

ClinVar aggregate classification (germline): Benign/Likely benign. Review status: criteria provided, multiple submitters, no conflicts (2 of 4 stars). 3 submissions from 3 submitters: Benign (1); Likely benign (2). Last evaluated 2024-07-24.

Conditions:
Hereditary cancer-predisposing syndrome. Also called: Tumor predisposition; Hereditary neoplastic syndrome; Neoplastic Syndromes, Hereditary; Hereditary Cancer Syndrome. Identifiers: Orphanet 140162, MedGen C0027672, MeSH D009386, MONDO:0015356.
Familial cancer of breast. Also called: hereditary breast carcinoma; Hereditary breast cancer; BREAST CANCER, FAMILIAL. Identifiers: Orphanet 227535, MedGen C0346153, MONDO:0016419, OMIM 114480. Disease mechanism: loss of function.

Submissions (3):

Myriad Genetics, Inc.
Classification: Benign for Familial cancer of breast. Last evaluated: 2024-07-24. Review status: criteria provided, single submitter. Criteria: Myriad Autosomal Dominant, Autosomal Recessive and X-Linked Classification Criteria (2023). Collection method: clinical testing. Allele origin: unknown.
Comment: This variant is considered benign. This variant is a silent/synonymous amino acid change and it is not expected to impact splicing.

Labcorp Genetics (formerly Invitae), Labcorp
Classification: Likely benign for Familial cancer of breast. Last evaluated: 2024-06-21. Review status: criteria provided, single submitter. Criteria: Invitae Variant Classification Sherloc (09022015). Collection method: clinical testing. Allele origin: germline.

Ambry Genetics
Classification: Likely benign for Hereditary cancer-predisposing syndrome. Last evaluated: 2019-05-22. Review status: criteria provided, single submitter. Criteria: Ambry Variant Classification Scheme 2023. Collection method: clinical testing. Allele origin: germline.